The following is an entry in ClinVar:

ClinVar aggregate classification (germline): Uncertain significance (1 of 4 stars; one submission).

Conditions:
Adams-Oliver syndrome 4 (AOS4). Identifiers: Orphanet 974, MedGen C3809092, MONDO:0014124, OMIM 615297.

Allele frequency attached by ClinVar (database versions not stated): gnomAD exomes below 0.00001.
gnomAD v4.1: 1 of 1,605,658 alleles (0.000062%); highest among the groups gnomAD compares: Non-Finnish European, 0.000085%; no homozygotes.

Submission:

Labcorp Genetics (formerly Invitae), Labcorp
Classification: Uncertain significance for Adams-Oliver syndrome 4. Last evaluated: 2019-11-27. Review status: criteria provided, single submitter. Criteria: Invitae Variant Classification Sherloc (09022015). Collection method: clinical testing. Allele origin: germline.
Comment: In summary, the available evidence is currently insufficient to determine the role of this variant in disease. Therefore, it has been classified as a Variant of Uncertain Significance. Algorithms developed to predict the effect of missense changes on protein structure and function are either unavailable or do not agree on the potential impact of this missense change (SIFT: "Tolerated"; PolyPhen-2: "Possibly Damaging"; Align-GVGD: "Class C15"). This variant has not been reported in the literature in individuals with EOGT-related conditions. This variant is not present in population databases (ExAC no frequency). This sequence change replaces glutamine with leucine at codon 152 of the EOGT protein (p.Gln152Leu). The glutamine residue is highly conserved and there is a moderate physicochemical difference between glutamine and leucine.

NM_001278689.2(EOGT):c.455A>T (p.Gln152Leu)

Gene: EOGT (EGF domain specific O-linked N-acetylglucosamine transferase; minus strand). Cytogenetic location: 3p14.1.
Variant type: single nucleotide variant.
Coding change: c.455A>T on transcript NM_001278689.2 (MANE Select); coding-DNA position 455, A replaced by T.
Protein change: p.Gln152Leu; replaces glutamine 152 with leucine.
Molecular consequence: missense variant. On other transcripts: non-coding transcript variant (1).
Genome position (GRCh38, 1-based): chr3:69,005,200, T>A on the plus strand (A>T on the coding strand, the complement: EOGT is on the minus strand). VCF-style: chr3-69005200-T-A. GRCh37 (hg19) VCF-style: chr3-69054351-T-A.
Other names: c.455A>T, p.Gln152Leu (NM_173654.3); short protein forms Q152L.
Identifiers: ClinVar variation 864595 (VCV000864595.6), dbSNP rs2091407941, ClinGen allele CA353467847.